The following is an entry in ClinVar:

ClinVar aggregate classification (germline): Uncertain significance (1 of 4 stars; one submission).

Submission:

GeneDx
Classification: Uncertain significance. Last evaluated: 2022-04-01. Review status: criteria provided, single submitter. Criteria: GeneDx Variant Classification Process June 2021. Collection method: clinical testing. Allele origin: germline. Affected: yes.
Comment: Not observed in large population cohorts (gnomAD); In silico analysis supports that this missense variant has a deleterious effect on protein structure/function; Has not been previously published as pathogenic or benign to our knowledge

NM_006180.6(NTRK2):c.1003C>G (p.His335Asp)

Gene: NTRK2 (neurotrophic receptor tyrosine kinase 2; plus strand). Cytogenetic location: 9q21.33.
Variant type: single nucleotide variant.
Coding change: c.1003C>G on transcript NM_006180.6 (MANE Select); coding-DNA position 1003, C replaced by G.
Protein change: p.His335Asp; replaces histidine 335 with aspartic acid.
Molecular consequence: missense variant.
Genome position (GRCh38, 1-based): chr9:84,727,803, C>G. VCF-style: chr9-84727803-C-G. GRCh37 (hg19) VCF-style: chr9-87342718-C-G.
Other names: c.1003C>G, p.His335Asp (NM_001007097.3, NM_001018064.3, NM_001018065.2 and 16 more transcripts); c.964C>G, p.His322Asp (NM_001291937.2, NM_001369546.1); c.535C>G, p.His179Asp (NM_001369535.1, NM_001369536.1, NM_001369550.1 and 2 more transcripts); short protein forms H179D, H322D, H335D.
Identifiers: ClinVar variation 1676864 (VCV001676864.2), dbSNP rs2132080024, ClinGen allele CA374008666.